The following is an entry in ClinVar:

ClinVar aggregate classification (germline): Uncertain significance. Review status: criteria provided, multiple submitters, no conflicts (2 of 4 stars). 2 submissions from 2 submitters: Uncertain significance (2). Last evaluated 2022-09-01.

Conditions:
Methylmalonic aciduria, cblA type (MACA). Also called: Vitamin B12-responsive methylmalonic acidemia type cblA; Methylmalonic aciduria, vitamin B12-responsive; Methylmalonic aciduria, vitamin b12-responsive, due to defect in synthesis of adenosylcobalamin, cbla complementation type; MMA cbl A type; Methylmalonic acidemia cblA type. Identifiers: Orphanet 28, Orphanet 79310, MedGen C1855109, MONDO:0009613, OMIM 251100.

Submissions (2):

Labcorp Genetics (formerly Invitae), Labcorp
Classification: Uncertain significance for Methylmalonic aciduria, cblA type. Last evaluated: 2022-09-01. Review status: criteria provided, single submitter. Criteria: Invitae Variant Classification Sherloc (09022015). Collection method: clinical testing. Allele origin: germline.
Comment: This sequence change replaces alanine, which is neutral and non-polar, with serine, which is neutral and polar, at codon 400 of the MMAA protein (p.Ala400Ser). In summary, the available evidence is currently insufficient to determine the role of this variant in disease. Therefore, it has been classified as a Variant of Uncertain Significance. Advanced modeling of protein sequence and biophysical properties (such as structural, functional, and spatial information, amino acid conservation, physicochemical variation, residue mobility, and thermodynamic stability) performed at Invitae indicates that this missense variant is not expected to disrupt MMAA protein function. ClinVar contains an entry for this variant (Variation ID: 1346914). This variant has not been reported in the literature in individuals affected with MMAA-related conditions. This variant is not present in population databases (gnomAD no frequency).

Fulgent Genetics
Classification: Uncertain significance for Methylmalonic aciduria, cblA type. Last evaluated: 2021-08-12. Review status: criteria provided, single submitter. Criteria: ACMG Guidelines, 2015. Collection method: clinical testing. Allele origin: unknown.

NM_172250.3(MMAA):c.1198G>T (p.Ala400Ser)

Gene: MMAA (metabolism of cobalamin associated A; plus strand). Cytogenetic location: 4q31.21.
Variant type: single nucleotide variant.
Coding change: c.1198G>T on transcript NM_172250.3 (MANE Select); coding-DNA position 1198, G replaced by T.
Protein change: p.Ala400Ser; replaces alanine 400 with serine.
Molecular consequence: missense variant.
Genome position (GRCh38, 1-based): chr4:145,655,375, G>T. VCF-style: chr4-145655375-G-T. GRCh37 (hg19) VCF-style: chr4-146576527-G-T.
Other names: c.1198G>T, p.Ala400Ser (NM_001375644.1); short protein forms A400S.
Identifiers: ClinVar variation 1346914 (VCV001346914.7), dbSNP rs895867414, ClinGen allele CA358346988.